The following is an entry in ClinVar:

NM_206937.2(LIG4):c.2662A>C (p.Ile888Leu)

Gene: LIG4 (DNA ligase 4; minus strand). Cytogenetic location: 13q33.3.
Variant type: single nucleotide variant.
Coding change: c.2662A>C on transcript NM_206937.2 (MANE Select); coding-DNA position 2662, A replaced by C.
Protein change: p.Ile888Leu; replaces isoleucine 888 with leucine.
Molecular consequence: missense variant.
Genome position (GRCh38, 1-based): chr13:108,208,607, T>G on the plus strand (A>C on the coding strand, the complement: LIG4 is on the minus strand). VCF-style: chr13-108208607-T-G. GRCh37 (hg19) VCF-style: chr13-108860955-T-G.
Other names: c.2662A>C, p.Ile888Leu (NM_001098268.2, NM_001352598.2, NM_001352599.2 and 6 more transcripts); c.2461A>C, p.Ile821Leu (NM_001330595.2); c.2698A>C, p.Ile900Leu (NM_001352604.2); short protein forms I888L, I821L, I900L.
Identifiers: ClinVar variation 640061 (VCV000640061.8), dbSNP rs148711190, ClinGen allele CA7043448.

ClinVar aggregate classification (germline): Uncertain significance. Review status: criteria provided, multiple submitters, no conflicts (2 of 4 stars). 2 submissions from 2 submitters: Uncertain significance (2). Last evaluated 2025-06-07.

Conditions:
DNA ligase IV deficiency. Identifiers: Orphanet 99812, MedGen C1847827, MONDO:0011686, OMIM 606593.
Inborn genetic diseases. Identifiers: MedGen C0950123, MeSH D030342.

Allele frequency attached by ClinVar (database versions not stated): TOPMed 0.00001.
gnomAD v4.1: 18 of 1,613,234 alleles (0.0011%); highest among the groups gnomAD compares: Admixed American, 0.02%; no homozygotes.

Submissions (2):

Ambry Genetics
Classification: Uncertain significance for Inborn genetic diseases. Last evaluated: 2025-06-07. Review status: criteria provided, single submitter. Criteria: Ambry Variant Classification Scheme 2023. Collection method: clinical testing. Allele origin: germline.

Labcorp Genetics (formerly Invitae), Labcorp
Classification: Uncertain significance for DNA ligase IV deficiency. Last evaluated: 2022-07-29. Review status: criteria provided, single submitter. Criteria: Invitae Variant Classification Sherloc (09022015). Collection method: clinical testing. Allele origin: germline.
Comment: This sequence change replaces isoleucine, which is neutral and non-polar, with leucine, which is neutral and non-polar, at codon 888 of the LIG4 protein (p.Ile888Leu). This variant is present in population databases (rs148711190, gnomAD 0.01%). This variant has not been reported in the literature in individuals affected with LIG4-related conditions. ClinVar contains an entry for this variant (Variation ID: 640061). Algorithms developed to predict the effect of missense changes on protein structure and function are either unavailable or do not agree on the potential impact of this missense change (SIFT: "Tolerated"; PolyPhen-2: "Possibly Damaging"; Align-GVGD: "Class C0"). In summary, the available evidence is currently insufficient to determine the role of this variant in disease. Therefore, it has been classified as a Variant of Uncertain Significance.